The following is an entry in ClinVar:

NM_025137.4(SPG11):c.1753C>T (p.Pro585Ser)

Gene: SPG11 (SPG11 vesicle trafficking associated, spatacsin; minus strand). Cytogenetic location: 15q21.1.
Variant type: single nucleotide variant.
Coding change: c.1753C>T on transcript NM_025137.4 (MANE Select); coding-DNA position 1753, C replaced by T.
Protein change: p.Pro585Ser; replaces proline 585 with serine.
Molecular consequence: missense variant.
Genome position (GRCh38, 1-based): chr15:44,629,371, G>A on the plus strand (C>T on the coding strand, the complement: SPG11 is on the minus strand). VCF-style: chr15-44629371-G-A. GRCh37 (hg19) VCF-style: chr15-44921569-G-A.
Other names: c.1753C>T, p.Pro585Ser (NM_001160227.2); short protein forms P585S.
Identifiers: ClinVar variation 216772 (VCV000216772.8), dbSNP rs863224795, ClinGen allele CA338989.
Genomic context (GRCh38, chr15:44,629,371, plus strand): 5'-GTTTGCTTTGGGGTTCAGAATAACTTTCTCTAATTGCCGAGCAAAGTAAATCCAATGCTG[G>A]TATCAGCTCTTCCACATCTGAGAAAGAACCAAAGAAATTAACATAAAGAACACCAGGATA-3'
Protein context (NP_079413.3, residues 575-595): LYLRNVEELI[Pro585Ser]ALDLLCSAIR

ClinVar aggregate classification (germline): Uncertain significance (1 of 4 stars; one submission).

Conditions:
Hereditary spastic paraplegia 11. Also called: Spastic paraplegia, mental retardation and thin corpus callosum; SPASTIC PARAPLEGIA, AUTOSOMAL RECESSIVE, COMPLICATED, WITH THIN CORPUS CALLOSUM; SPASTIC PARAPLEGIA, AUTOSOMAL RECESSIVE, WITH MENTAL IMPAIRMENT AND THIN CORPUS CALLOSUM; Spastic Paraplegia 11; Nakamura Osame syndrome; Autosomal recessive hereditary spastic paraplegia, mental impairment, and thin corpus callosum. Identifiers: Orphanet 2822, MedGen C1858479, MONDO:0011445, OMIM 604360.

Allele frequency attached by ClinVar (database versions not stated): gnomAD exomes below 0.00001; gnomAD 0.00001; TOPMed 0.00001.

Submission:

Labcorp Genetics (formerly Invitae), Labcorp
Classification: Uncertain significance for Hereditary spastic paraplegia 11. Last evaluated: 2021-08-27. Review status: criteria provided, single submitter. Criteria: Invitae Variant Classification Sherloc (09022015). Collection method: clinical testing. Allele origin: germline.
Comment: This sequence change replaces proline with serine at codon 585 of the SPG11 protein (p.Pro585Ser). The proline residue is moderately conserved and there is a moderate physicochemical difference between proline and serine. This variant is not present in population databases (ExAC no frequency). This variant has not been reported in the literature in individuals affected with SPG11-related conditions. ClinVar contains an entry for this variant (Variation ID: 216772). Algorithms developed to predict the effect of missense changes on protein structure and function are either unavailable or do not agree on the potential impact of this missense change (SIFT: "Deleterious"; PolyPhen-2: "Probably Damaging"; Align-GVGD: "Class C0"). In summary, the available evidence is currently insufficient to determine the role of this variant in disease. Therefore, it has been classified as a Variant of Uncertain Significance.